The following is an entry in ClinVar:

NM_001048174.2(MUTYH):c.428A>C (p.Asn143Thr)

Gene: MUTYH (mutY DNA glycosylase; minus strand). Cytogenetic location: 1p34.1.
Variant type: single nucleotide variant.
Coding change: c.428A>C on transcript NM_001048174.2 (MANE Select); coding-DNA position 428, A replaced by C.
Protein change: p.Asn143Thr; replaces asparagine 143 with threonine.
Molecular consequence: missense variant. On other transcripts: non-coding transcript variant (2).
Genome position (GRCh38, 1-based): chr1:45,332,827, T>G on the plus strand (A>C on the coding strand, the complement: MUTYH is on the minus strand). VCF-style: chr1-45332827-T-G. GRCh37 (hg19) VCF-style: chr1-45798499-T-G.
Other names: c.428A>C, p.Asn143Thr (NM_001048171.2, NM_001048173.2, NM_001293195.2 and 6 more transcripts); c.431A>C, p.Asn144Thr (NM_001048172.2, NM_001407071.1, NM_001407078.1 and 1 more transcripts); c.512A>C, p.Asn171Thr (NM_001128425.2); c.473A>C, p.Asn158Thr (NM_001293190.2); c.461A>C, p.Asn154Thr (NM_001293191.2, NM_001407069.1, NM_001407077.1); c.152A>C, p.Asn51Thr (NM_001293192.2, NM_001293196.2, NM_001407091.1); c.83A>C, p.Asn28Thr (NM_001350650.2, NM_001350651.2, NM_001407082.1); c.344A>C, p.Asn115Thr (NM_001407075.1); and 5 more; short protein forms N154T, N157T, N158T, N115T, N130T, N28T, N51T, N144T.
Identifiers: ClinVar variation 1745522 (VCV001745522.2), dbSNP rs587781528, ClinGen allele CA340135839.

ClinVar aggregate classification (germline): Uncertain significance (1 of 4 stars; one submission).

Conditions:
Hereditary cancer-predisposing syndrome. Also called: Hereditary Cancer Syndrome; Neoplastic Syndromes, Hereditary; Tumor predisposition; Hereditary neoplastic syndrome. Identifiers: Orphanet 140162, MedGen C0027672, MeSH D009386, MONDO:0015356.

Submission:

Ambry Genetics
Classification: Uncertain significance for Hereditary cancer-predisposing syndrome. Last evaluated: 2021-12-08. Review status: criteria provided, single submitter. Criteria: Ambry Variant Classification Scheme 2023. Collection method: clinical testing. Allele origin: germline.
Comment: The p.N171T variant (also known as c.512A>C), located in coding exon 7 of the MUTYH gene, results from an A to C substitution at nucleotide position 512. The asparagine at codon 171 is replaced by threonine, an amino acid with similar properties. This amino acid position is conserved. In addition, this alteration is predicted to be tolerated by in silico analysis. Since supporting evidence is limited at this time, the clinical significance of this alteration remains unclear.